The following is an entry in ClinVar:

ClinVar aggregate classification (germline): Uncertain significance. Review status: criteria provided, multiple submitters, no conflicts (2 of 4 stars). 2 submissions from 2 submitters: Uncertain significance (2). Last evaluated 2025-05-21.

Conditions:
PLCG1-related disorder. Also called: PLCG1-related condition.

Allele frequency attached by ClinVar (database versions not stated): gnomAD 0.00001; TOPMed 0.00002; ExAC 0.00003.

Submissions (2):

PreventionGenetics, part of Exact Sciences
Classification: Uncertain significance for PLCG1-related condition. Last evaluated: 2025-05-21. Review status: criteria provided, single submitter. Criteria: ACMG Guidelines, 2015. Collection method: clinical testing. Allele origin: germline.
Comment: The PLCG1 c.3680C>T variant is predicted to result in the amino acid substitution p.Thr1227Met. To our knowledge, this variant has not been reported in the literature. This variant is reported in 0.0087% of alleles in individuals of Latino descent in gnomAD. At this time, the clinical significance of this variant is uncertain due to the absence of conclusive functional and genetic evidence.

Ambry Genetics
Classification: Uncertain significance. Last evaluated: 2023-11-04. Review status: criteria provided, single submitter. Criteria: Ambry Variant Classification Scheme 2023. Collection method: clinical testing. Allele origin: germline.

NM_002660.3(PLCG1):c.3680C>T (p.Thr1227Met)

Gene: PLCG1 (phospholipase C gamma 1; plus strand). Cytogenetic location: 20q12.
Variant type: single nucleotide variant.
Coding change: c.3680C>T on transcript NM_002660.3 (MANE Select); coding-DNA position 3680, C replaced by T.
Protein change: p.Thr1227Met; replaces threonine 1227 with methionine.
Molecular consequence: missense variant.
Genome position (GRCh38, 1-based): chr20:41,174,158, C>T. VCF-style: chr20-41174158-C-T. GRCh37 (hg19) VCF-style: chr20-39802798-C-T.
Other names: c.3677C>T, p.Thr1226Met (NM_182811.2); short protein forms T1226M, T1227M.
Identifiers: ClinVar variation 3214507 (VCV003214507.2), dbSNP rs768717121, ClinGen allele CA9859592.